The following is an entry in ClinVar:

ClinVar aggregate classification (germline): Pathogenic. Review status: criteria provided, multiple submitters, no conflicts (2 of 4 stars). 2 submissions from 2 submitters: Pathogenic (2). Last evaluated 2025-02-28.

Conditions:
GNPTG-mucolipidosis. Also called: ML III GAMMA; ML IIIC; MUCOLIPIDOSIS III, COMPLEMENTATION GROUP C; MUCOLIPIDOSIS III, IRANIAN VARIANT FORM; MUCOLIPIDOSIS III, VARIANT FORM; Mucolipidosis type III gamma. Identifiers: Orphanet 423470, Orphanet 577, MedGen C1854896, MONDO:0009652, OMIM 252605.

Submissions (2):

Myriad Genetics, Inc.
Classification: Pathogenic for GNPTG-mucolipidosis. Last evaluated: 2025-02-28. Review status: criteria provided, single submitter. Criteria: Myriad Autosomal Dominant, Autosomal Recessive and X-Linked Classification Criteria (2023). Collection method: clinical testing. Allele origin: unknown.
Comment: NM_032520.4(GNPTG):c.187dupC(H63Pfs*20) is expected to be pathogenic in the context of mucolipidosis III gamma. This variant is predicted to lead to an abnormal or absent protein product due to the creation of a premature termination codon in GNPTG, a gene where loss-of-function variants are known to be pathogenic. Please note: this variant was assessed in the context of healthy population screening.

Labcorp Genetics (formerly Invitae), Labcorp
Classification: Pathogenic. Last evaluated: 2023-08-24. Review status: criteria provided, single submitter. Criteria: Invitae Variant Classification Sherloc (09022015). Collection method: clinical testing. Allele origin: germline.
Comment: For these reasons, this variant has been classified as Pathogenic. This variant has not been reported in the literature in individuals affected with GNPTG-related conditions. This variant is not present in population databases (gnomAD no frequency). This sequence change creates a premature translational stop signal (p.His63Profs*20) in the GNPTG gene. It is expected to result in an absent or disrupted protein product. Loss-of-function variants in GNPTG are known to be pathogenic (PMID: 19370764, 20301784).

Literature cited by the submitters: PubMed 19370764 (cited by Labcorp Genetics (formerly Invitae), Labcorp); PubMed 20301784 (cited by Labcorp Genetics (formerly Invitae), Labcorp).

NM_032520.5(GNPTG):c.187dup (p.His63fs)

Gene: GNPTG (N-acetylglucosamine-1-phosphate transferase subunit gamma; plus strand). Cytogenetic location: 16p13.3.
Variant type: Duplication.
Coding change: c.187dup on transcript NM_032520.5 (MANE Select); coding-DNA position 187, one base duplicated (C; older notation c.187dupC).
Protein change: p.His63fs; shifts the reading frame from histidine 63.
Molecular consequence: frameshift variant.
Genome position (GRCh38, 1-based): chr16:1,361,751, C duplicated. VCF-style (leftmost placement, unchanged base first): chr16-1361750-G-GC. GRCh37 (hg19) VCF-style: chr16-1411751-G-GC.
Other names: short protein forms H63fs.
Identifiers: ClinVar variation 2997038 (VCV002997038.4), dbSNP rs2548189368, ClinGen allele CA2740096819.
Genomic context (GRCh38, chr16:1,361,750, plus strand): 5'-TGCAGACAGGTTCTGTGCTTGGACCCTGGGGATCAGTGTGAGGTCTCTTCCAGGACCCGT[G>GC]CATCTCTTCCGACTCTCGGGCAAGTGCTTCAGCCTGGTGGAGTCCACGTGAGTGCAGGGT-3'